The following is an entry in ClinVar:

NM_006231.4(POLE):c.2918T>A (p.Val973Asp)

Gene: POLE (DNA polymerase epsilon, catalytic subunit; minus strand). Cytogenetic location: 12q24.33.
Variant type: single nucleotide variant.
Coding change: c.2918T>A on transcript NM_006231.4 (MANE Select); coding-DNA position 2918, T replaced by A.
Protein change: p.Val973Asp; replaces valine 973 with aspartic acid.
Molecular consequence: missense variant.
Genome position (GRCh38, 1-based): chr12:132,661,111, A>T on the plus strand (T>A on the coding strand, the complement: POLE is on the minus strand). VCF-style: chr12-132661111-A-T. GRCh37 (hg19) VCF-style: chr12-133237697-A-T.
Other names: short protein forms V973D.
Identifiers: ClinVar variation 1797652 (VCV001797652.2), dbSNP rs2138691614, ClinGen allele CA387392706.

ClinVar aggregate classification (germline): Uncertain significance (1 of 4 stars; one submission).

Conditions:
Hereditary cancer-predisposing syndrome. Also called: Neoplastic Syndromes, Hereditary; Tumor predisposition; Hereditary Cancer Syndrome; Hereditary neoplastic syndrome. Identifiers: Orphanet 140162, MedGen C0027672, MeSH D009386, MONDO:0015356.

Submission:

Ambry Genetics
Classification: Uncertain significance for Hereditary cancer-predisposing syndrome. Last evaluated: 2021-12-11. Review status: criteria provided, single submitter. Criteria: Ambry Variant Classification Scheme 2023. Collection method: clinical testing. Allele origin: germline.
Comment: The p.V973D variant (also known as c.2918T>A), located in coding exon 25 of the POLE gene, results from a T to A substitution at nucleotide position 2918. The valine at codon 973 is replaced by aspartic acid, an amino acid with highly dissimilar properties. This amino acid position is conserved. In addition, this alteration is predicted to be deleterious by in silico analysis. Since supporting evidence is limited at this time, the clinical significance of this alteration remains unclear.